The following is an entry in ClinVar:

NM_000372.5(TYR):c.231_232delinsCT (p.Glu78Ter)

Gene: TYR (tyrosinase; plus strand). Cytogenetic location: 11q14.3.
Variant type: Indel.
Coding change: c.231_232delinsCT on transcript NM_000372.5 (MANE Select); coding-DNA positions 231 to 232, GG replaced by CT.
Protein change: p.Glu78Ter; replaces glutamic acid 78 with a stop codon.
Molecular consequence: nonsense.
Genome position (GRCh38, 1-based): chr11:89,178,184-89,178,185, GG replaced by CT. VCF-style: chr11-89178184-GG-CT. GRCh37 (hg19) VCF-style: chr11-88911352-GG-CT.
Other names: short protein forms E78*.
Identifiers: ClinVar variation 2993081 (VCV002993081.3), dbSNP rs2496528392, ClinGen allele CA2740093171.
Genomic context (GRCh38, chr11:89,178,184, plus strand): 5'-TATCCTTCTGTCCAATGCACCACTTGGGCCTCAATTTCCCTTCACAGGGGTGGATGACCG[GG>CT]AGTCGTGGCCTTCCGTCTTTTATAATAGGACCTGCCAGTGCTCTGGCAACTTCATGGGAT-3'

ClinVar aggregate classification (germline): Pathogenic (1 of 4 stars; one submission).

Submission:

Labcorp Genetics (formerly Invitae), Labcorp
Classification: Pathogenic. Last evaluated: 2023-01-15. Review status: criteria provided, single submitter. Criteria: Invitae Variant Classification Sherloc (09022015). Collection method: clinical testing. Allele origin: germline.
Comment: For these reasons, this variant has been classified as Pathogenic. This premature translational stop signal has been observed in individual(s) with ocular albinism (PMID: 9259202). Information on the frequency of this variant in the gnomAD database is not available, as this variant may be reported differently in the database. This sequence change creates a premature translational stop signal (p.Glu78*) in the TYR gene. It is expected to result in an absent or disrupted protein product. Loss-of-function variants in TYR are known to be pathogenic (PMID: 23504663).

Literature cited by the submitters: PubMed 9259202; PubMed 23504663.